The following is an entry in ClinVar:

NM_001963.6(EGF):c.2378A>T (p.Glu793Val)

Gene: EGF (epidermal growth factor; plus strand). Cytogenetic location: 4q25.
Variant type: single nucleotide variant.
Coding change: c.2378A>T on transcript NM_001963.6 (MANE Select); coding-DNA position 2378, A replaced by T.
Protein change: p.Glu793Val; replaces glutamic acid 793 with valine.
Molecular consequence: missense variant.
Genome position (GRCh38, 1-based): chr4:109,983,428, A>T. VCF-style: chr4-109983428-A-T. GRCh37 (hg19) VCF-style: chr4-110904584-A-T.
Other names: c.2378A>T (NM_001963.4); c.2378A>T, p.Glu793Val (NM_001178130.3); c.2252A>T, p.Glu751Val (NM_001178131.3, NM_001357021.2); short protein forms E751V, E793V.
Identifiers: ClinVar variation 1410240 (VCV001410240.10), dbSNP rs369597497, ClinGen allele CA3043961.

ClinVar aggregate classification (germline): Uncertain significance. Review status: criteria provided, multiple submitters, no conflicts (2 of 4 stars). 4 submissions from 4 submitters: Uncertain significance (4). Last evaluated 2025-10-08.

Conditions:
Renal hypomagnesemia 4. Also called: HYPOMAGNESEMIA, RENAL, NORMOCALCIURIC. Identifiers: Orphanet 34527, MedGen C2673648, MONDO:0012717, OMIM 611718.

Allele frequency attached by ClinVar (database versions not stated): ExAC 0.00006; gnomAD 0.00007 and 0.00009; ESP Exome Variant Server 0.00008; gnomAD exomes 0.00008; TOPMed 0.00011; 1000 Genomes Project 0.00020; 1000 Genomes Project 30x 0.00031.
gnomAD v4.1: 133 of 1,613,598 alleles (0.0082%); highest among the groups gnomAD compares: Middle Eastern, 0.099%; no homozygotes.

Submissions (4):

Labcorp Genetics (formerly Invitae), Labcorp
Classification: Uncertain significance. Last evaluated: 2025-10-08. Review status: criteria provided, single submitter. Criteria: Invitae Variant Classification Sherloc (09022015). Collection method: clinical testing. Allele origin: germline.
Comment: This sequence change replaces glutamic acid, which is acidic and polar, with valine, which is neutral and non-polar, at codon 793 of the EGF protein (p.Glu793Val). This variant is present in population databases (rs369597497, gnomAD 0.02%). This missense change has been observed in individual(s) with hypogonadotropic hypogonadism (PMID: 39308770). ClinVar contains an entry for this variant (Variation ID: 1410240). An algorithm developed to predict the effect of missense changes on protein structure and function (PolyPhen-2) suggests that this variant is likely to be tolerated. In summary, the available evidence is currently insufficient to determine the role of this variant in disease. Therefore, it has been classified as a Variant of Uncertain Significance.

Ambry Genetics
Classification: Uncertain significance. Last evaluated: 2024-08-20. Review status: criteria provided, single submitter. Criteria: Ambry Variant Classification Scheme 2023. Collection method: clinical testing. Allele origin: germline.

Fulgent Genetics
Classification: Uncertain significance for Renal hypomagnesemia 4. Last evaluated: 2022-03-09. Review status: criteria provided, single submitter. Criteria: ACMG Guidelines, 2015. Collection method: clinical testing. Allele origin: unknown.

Breakthrough Genomics
Classification: Uncertain significance. Review status: criteria provided, single submitter. Criteria: ACMG Guidelines, 2015. Collection method: not provided. Allele origin: germline. Inheritance: Autosomal recessive inheritance. Affected: yes.

Literature cited by the submitters: PubMed 39308770 (cited by Labcorp Genetics (formerly Invitae), Labcorp).